The following is an entry in ClinVar:

ClinVar aggregate classification (germline): Likely pathogenic (1 of 4 stars; one submission).

Conditions:
Schimke immuno-osseous dysplasia (SIOD). Also called: Schimke Immunoosseous Dysplasia. Identifiers: Orphanet 1830, MedGen C0877024, MONDO:0009458, OMIM 242900.

Submission:

Natera, Inc.
Classification: Likely pathogenic for Schimke immuno-osseous dysplasia. Last evaluated: 2024-10-21. Review status: criteria provided, single submitter. Criteria: Natera Variant Classification Schema (03/2026). Collection method: clinical testing. Allele origin: germline.
Comment: The c.2178_2179del variant in SMARCAL1 is a frameshift variant predicted to shift the reading frame beginning at codon 727 and leads to a stop codon 8 codons downstream. This variant is expected to result in nonsense mediated decay, truncation, or a dysfunctional protein product. This variant is rare in the general population with a frequency below the threshold expected for the associated phenotype(s). Given the available evidence, this variant is classified as Likely Pathogenic.

NM_014140.4(SMARCAL1):c.2178_2179del (p.Lys727fs)

Gene: SMARCAL1 (SNF2 related chromatin remodeling annealing helicase 1; plus strand). Cytogenetic location: 2q35.
Variant type: Microsatellite.
Coding change: c.2178_2179del on transcript NM_014140.4 (MANE Select); coding-DNA positions 2178 to 2179, 2 bases deleted (GA; older notation c.2178_2179delGA).
Protein change: p.Lys727fs; shifts the reading frame from lysine 727.
Molecular consequence: frameshift variant.
Genome position (GRCh38, 1-based): chr2:216,467,980-216,467,981, GA deleted; deleting any 2 consecutive bases within chr2:216,467,975-216,467,981 gives the same sequence; the c. name uses the placement nearest the transcript's 3' end. VCF-style (leftmost placement, unchanged base first): chr2-216467974-AAG-A. GRCh37 (hg19) VCF-style: chr2-217332697-AAG-A.
Other names: c.2178_2179del (NM_014140.3); c.2178_2179del, p.Lys727fs (NM_001127207.2); c.2174_2175GA[2], p.Lys727Valfs (NM_014140.3); short protein forms K727fs.
Identifiers: ClinVar variation 4815601 (VCV004815601.1).
Genomic context (GRCh38, chr2:216,467,974, plus strand): 5'-AATCTGTTTTGTTGTCATTGTCAAATGCAGTGAATATATCTTGGACCTACTGGAAAGTGG[AAG>A]AGAGAAGTTTTTAGTATTTGCACACCATAAGGTGGTCCTGGACGCAATTACGCAAGAGCT-3'